The following is an entry in ClinVar:

NM_001128840.3(CACNA1D):c.5338G>A (p.Val1780Met)

Gene: CACNA1D (calcium voltage-gated channel subunit alpha1 D; plus strand). Cytogenetic location: 3p21.1.
Variant type: single nucleotide variant.
Coding change: c.5338G>A on transcript NM_001128840.3 (MANE Select); coding-DNA position 5338, G replaced by A.
Protein change: p.Val1780Met; replaces valine 1780 with methionine.
Molecular consequence: missense variant.
Genome position (GRCh38, 1-based): chr3:53,801,355, G>A. VCF-style: chr3-53801355-G-A. GRCh37 (hg19) VCF-style: chr3-53835382-G-A.
Other names: c.5398G>A, p.Val1800Met (NM_000720.4); c.5293G>A, p.Val1765Met (NM_001128839.3); c.5398G>A (NM_000720.2); short protein forms V1765M, V1780M, V1800M.
Identifiers: ClinVar variation 1346152 (VCV001346152.7), dbSNP rs2095534853, ClinGen allele CA353251566.

ClinVar aggregate classification (germline): Uncertain significance. Review status: criteria provided, multiple submitters, no conflicts (2 of 4 stars). 2 submissions from 2 submitters: Uncertain significance (2). Last evaluated 2024-07-10.

Conditions:
Inborn genetic diseases. Identifiers: MedGen C0950123, MeSH D030342.

Allele frequency attached by ClinVar (database versions not stated): gnomAD exomes below 0.00001; TOPMed below 0.00001.
gnomAD v4.1: 7 of 1,614,194 alleles (0.00043%); highest among the groups gnomAD compares: Non-Finnish European, 0.00059%; no homozygotes.

Submissions (2):

Ambry Genetics
Classification: Uncertain significance for Inborn genetic diseases. Last evaluated: 2024-07-10. Review status: criteria provided, single submitter. Criteria: Ambry Variant Classification Scheme 2023. Collection method: clinical testing. Allele origin: germline.

Labcorp Genetics (formerly Invitae), Labcorp
Classification: Uncertain significance. Last evaluated: 2021-08-03. Review status: criteria provided, single submitter. Criteria: Invitae Variant Classification Sherloc (09022015). Collection method: clinical testing. Allele origin: germline.
Comment: In summary, the available evidence is currently insufficient to determine the role of this variant in disease. Therefore, it has been classified as a Variant of Uncertain Significance. Algorithms developed to predict the effect of missense changes on protein structure and function output the following: SIFT: "Tolerated"; PolyPhen-2: "Benign"; Align-GVGD: "Class C0". The methionine amino acid residue is found in multiple mammalian species, which suggests that this missense change does not adversely affect protein function. This variant has not been reported in the literature in individuals affected with CACNA1D-related conditions. This variant is not present in population databases (ExAC no frequency). This sequence change replaces valine with methionine at codon 1800 of the CACNA1D protein (p.Val1800Met). The valine residue is weakly conserved and there is a small physicochemical difference between valine and methionine.